The following is an entry in ClinVar:

NM_001098.3(ACO2):c.2088G>T (p.Glu696Asp)

Genes: ACO2 (aconitase 2; plus strand), POLR3H (RNA polymerase III subunit H; minus strand). Cytogenetic location: 22q13.2.
Variant type: single nucleotide variant.
Coding change: c.2088G>T on transcript NM_001098.3 (MANE Select); coding-DNA position 2088, G replaced by T.
Protein change: p.Glu696Asp; replaces glutamic acid 696 with aspartic acid.
Molecular consequence: missense variant. On other transcripts: 3 prime UTR variant (5).
Genome position (GRCh38, 1-based): chr22:41,527,902, G>T. VCF-style: chr22-41527902-G-T. GRCh37 (hg19) VCF-style: chr22-41923906-G-T.
Other names: c.*1381C>A (NM_001018050.4, NM_001018052.4, NM_001282884.2 and 2 more transcripts); short protein forms E696D.
Identifiers: ClinVar variation 2696957 (VCV002696957.3), dbSNP rs762637616, ClinGen allele CA411729247.

ClinVar aggregate classification (germline): Uncertain significance (1 of 4 stars; one submission).

Submission:

Labcorp Genetics (formerly Invitae), Labcorp
Classification: Uncertain significance. Last evaluated: 2023-11-27. Review status: criteria provided, single submitter. Criteria: Invitae Variant Classification Sherloc (09022015). Collection method: clinical testing. Allele origin: germline.
Comment: This sequence change replaces glutamic acid, which is acidic and polar, with aspartic acid, which is acidic and polar, at codon 696 of the ACO2 protein (p.Glu696Asp). This variant is not present in population databases (gnomAD no frequency). This variant has not been reported in the literature in individuals affected with ACO2-related conditions. An algorithm developed to predict the effect of missense changes on protein structure and function (PolyPhen-2) suggests that this variant is likely to be tolerated. In summary, the available evidence is currently insufficient to determine the role of this variant in disease. Therefore, it has been classified as a Variant of Uncertain Significance.